The following is an entry in ClinVar:

NM_000743.5(CHRNA3):c.1495del (p.Pro498_Leu499insTer)

Gene: CHRNA3 (cholinergic receptor nicotinic alpha 3 subunit; minus strand). Cytogenetic location: 15q25.1.
Variant type: Deletion.
Coding change: c.1495del on transcript NM_000743.5 (MANE Select); coding-DNA position 1495, one base deleted (C; older notation c.1495delC).
Protein change: p.Pro498_Leu499insTer.
Molecular consequence: nonsense. On other transcripts: non-coding transcript variant (1), intron variant (1).
Genome position (GRCh38, 1-based): chr15:78,596,627, G deleted on the plus strand (C on the coding strand, the reverse complement: CHRNA3 is on the minus strand); the first of 4 consecutive G bases (chr15:78,596,627-78,596,630); deleting any one gives the same sequence. VCF-style (leftmost placement, unchanged base first): chr15-78596626-AG-A. GRCh37 (hg19) VCF-style: chr15-78888968-AG-A.
Other names: c.1390-3436del (NM_001166694.2).
Identifiers: ClinVar variation 1971011 (VCV001971011.6), dbSNP rs759986717, ClinGen allele CA7684226.

ClinVar aggregate classification (germline): Uncertain significance. Review status: criteria provided, multiple submitters, no conflicts (2 of 4 stars). 2 submissions from 2 submitters: Uncertain significance (2). Last evaluated 2024-04-12.

Conditions:
Urinary bladder, atony of. Also called: Bladder Dysfunction with Impaired Pupillary Reflex and Secondary Congenital Anomalies of the Kidney and Urinary Tract. Identifiers: MedGen C5231389, MONDO:0008630, OMIM 191800.
SMOKING AS A QUANTITATIVE TRAIT LOCUS 3 (SQTL3). Identifiers: MedGen C3150168, OMIM 612052.

Submissions (2):

Fulgent Genetics
Classification: Uncertain significance for Urinary bladder, atony of; SMOKING AS A QUANTITATIVE TRAIT LOCUS 3. Last evaluated: 2024-04-12. Review status: criteria provided, single submitter. Criteria: ACMG Guidelines, 2015. Collection method: clinical testing. Allele origin: germline.

Labcorp Genetics (formerly Invitae), Labcorp
Classification: Uncertain significance. Last evaluated: 2022-04-12. Review status: criteria provided, single submitter. Criteria: Invitae Variant Classification Sherloc (09022015). Collection method: clinical testing. Allele origin: germline.
Comment: This sequence change creates a premature translational stop signal (p.Leu499*) in the CHRNA3 gene. While this is not anticipated to result in nonsense mediated decay, it is expected to disrupt the last 7 amino acid(s) of the CHRNA3 protein. In summary, the available evidence is currently insufficient to determine the role of this variant in disease. Therefore, it has been classified as a Variant of Uncertain Significance. Experimental studies and prediction algorithms are not available or were not evaluated, and the functional significance of this variant is currently unknown. This variant has not been reported in the literature in individuals affected with CHRNA3-related conditions. This variant is present in population databases (rs759986717, gnomAD 0.04%).